The following is an entry in ClinVar:

NM_007215.4(POLG2):c.595C>A (p.Leu199Met)

Genes: MILR1 (mast cell immunoglobulin like receptor 1; plus strand), POLG2 (DNA polymerase gamma 2, accessory subunit; minus strand). Cytogenetic location: 17q23.3.
Variant type: single nucleotide variant.
Coding change: c.595C>A on transcript NM_007215.4 (MANE Select); coding-DNA position 595, C replaced by A.
Protein change: p.Leu199Met; replaces leucine 199 with methionine.
Molecular consequence: missense variant.
Genome position (GRCh38, 1-based): chr17:64,492,989, G>T on the plus strand (C>A on the coding strand, the complement: POLG2 is on the minus strand). VCF-style: chr17-64492989-G-T. GRCh37 (hg19) VCF-style: chr17-62489106-G-T.
Other names: short protein forms L199M.
Identifiers: ClinVar variation 2110031 (VCV002110031.4), dbSNP rs1555668852, ClinGen allele CA400639732.

ClinVar aggregate classification (germline): Uncertain significance (1 of 4 stars; one submission).

Allele frequency attached by ClinVar (database versions not stated): gnomAD exomes below 0.00001.
gnomAD v4.1: 1 of 1,614,042 alleles (0.000062%); highest among the groups gnomAD compares: Non-Finnish European, 0.000085%; no homozygotes.

Submission:

Labcorp Genetics (formerly Invitae), Labcorp
Classification: Uncertain significance. Last evaluated: 2022-08-07. Review status: criteria provided, single submitter. Criteria: Invitae Variant Classification Sherloc (09022015). Collection method: clinical testing. Allele origin: germline.
Comment: In summary, the available evidence is currently insufficient to determine the role of this variant in disease. Therefore, it has been classified as a Variant of Uncertain Significance. Algorithms developed to predict the effect of missense changes on protein structure and function output the following: SIFT: "Tolerated"; PolyPhen-2: "Probably Damaging"; Align-GVGD: "Class C0". The methionine amino acid residue is found in multiple mammalian species, which suggests that this missense change does not adversely affect protein function. This variant has not been reported in the literature in individuals affected with POLG2-related conditions. This variant is present in population databases (no rsID available, gnomAD 0.0009%). This sequence change replaces leucine, which is neutral and non-polar, with methionine, which is neutral and non-polar, at codon 199 of the POLG2 protein (p.Leu199Met).